The following is an entry in ClinVar:

ClinVar aggregate classification (germline): Uncertain significance. Review status: criteria provided, multiple submitters, no conflicts (2 of 4 stars). 2 submissions from 2 submitters: Uncertain significance (2). Last evaluated 2025-01-28.

Conditions:
Trichothiodystrophy 9, nonphotosensitive (TTD9). Identifiers: MedGen C5562058, MONDO:0030518, OMIM 619692.
Charcot-Marie-Tooth disease axonal type 2U. Also called: CHARCOT-MARIE-TOOTH NEUROPATHY, TYPE 2U; CHARCOT-MARIE-TOOTH DISEASE, AXONAL, AUTOSOMAL DOMINANT, TYPE 2U. Identifiers: Orphanet 397735, MedGen C4084821, MONDO:0014566, OMIM 616280.
Severe early-onset pulmonary alveolar proteinosis due to MARS deficiency. Also called: PULMONARY ALVEOLAR PROTEINOSIS, REUNION ISLAND; Interstitial lung and liver disease. Identifiers: Orphanet 440427, MedGen C4225400, MONDO:0014206, OMIM 615486.

Allele frequency attached by ClinVar (database versions not stated): TOPMed below 0.00001.
gnomAD v4.1: 2 of 1,614,210 alleles (0.00012%); highest among the groups gnomAD compares: Admixed American, 0.0017%; no homozygotes.

Submissions (2):

Labcorp Genetics (formerly Invitae), Labcorp
Classification: Uncertain significance for Charcot-Marie-Tooth disease axonal type 2U; Severe early-onset pulmonary alveolar proteinosis due to MARS deficiency. Last evaluated: 2025-01-28. Review status: criteria provided, single submitter. Criteria: Invitae Variant Classification Sherloc (09022015). Collection method: clinical testing. Allele origin: germline.
Comment: This sequence change replaces serine, which is neutral and polar, with proline, which is neutral and non-polar, at codon 484 of the MARS protein (p.Ser484Pro). This variant is present in population databases (no rsID available, gnomAD 0.003%). This variant has not been reported in the literature in individuals affected with MARS-related conditions. ClinVar contains an entry for this variant (Variation ID: 2637953). An algorithm developed to predict the effect of missense changes on protein structure and function (PolyPhen-2) suggests that this variant is likely to be disruptive. In summary, the available evidence is currently insufficient to determine the role of this variant in disease. Therefore, it has been classified as a Variant of Uncertain Significance.

Illumina Laboratory Services, Illumina
Classification: Uncertain significance for Trichothiodystrophy 9, nonphotosensitive. Last evaluated: 2023-09-12. Review status: criteria provided, single submitter. Criteria: ICSLVariantClassificationCriteria RUGD 01 April 2020. Collection method: clinical testing. Allele origin: unknown.
Comment: The MARS1 c.1450T>C (p.Ser484Pro) missense variant has not, to our knowledge, been reported in the peer-reviewed literature. This variant is located in the core catalytic domain and is not observed at a significant frequency in version 2.1.1 or version 3.1.2 of the Genome Aggregation Database. Based on the available evidence, the c.1450T>C (p.Ser484Pro) variant is classified as a variant of uncertain significance for non-photosensitive trichothiodystrophy.

NM_004990.4(MARS1):c.1450T>C (p.Ser484Pro)

Gene: MARS1 (methionyl-tRNA synthetase 1; plus strand). Cytogenetic location: 12q13.3.
Variant type: single nucleotide variant.
Coding change: c.1450T>C on transcript NM_004990.4 (MANE Select); coding-DNA position 1450, T replaced by C.
Protein change: p.Ser484Pro; replaces serine 484 with proline.
Molecular consequence: missense variant.
Genome position (GRCh38, 1-based): chr12:57,511,779, T>C. VCF-style: chr12-57511779-T-C. GRCh37 (hg19) VCF-style: chr12-57905562-T-C.
Other names: short protein forms S484P.
Identifiers: ClinVar variation 2637953 (VCV002637953.4), dbSNP rs1333359524, ClinGen allele CA385461421.